The following is an entry in ClinVar:

NM_144651.5(PXDNL):c.1174G>T (p.Asp392Tyr)

Gene: PXDNL (peroxidasin like; minus strand). Cytogenetic location: 8q11.22.
Variant type: single nucleotide variant.
Coding change: c.1174G>T on transcript NM_144651.5 (MANE Select); coding-DNA position 1174, G replaced by T.
Protein change: p.Asp392Tyr; replaces aspartic acid 392 with tyrosine.
Molecular consequence: missense variant.
Genome position (GRCh38, 1-based): chr8:51,453,594, C>A on the plus strand (G>T on the coding strand, the complement: PXDNL is on the minus strand). VCF-style: chr8-51453594-C-A. GRCh37 (hg19) VCF-style: chr8-52366154-C-A.
Other names: short protein forms D392Y.
Identifiers: ClinVar variation 4873281 (VCV004873281.2).

ClinVar aggregate classification (germline): Uncertain significance (1 of 4 stars; one submission).

Submission:

CeGaT Center for Human Genetics Tuebingen
Classification: Uncertain significance. Last evaluated: 2026-04-01. Review status: criteria provided, single submitter. Criteria: CeGaT Center For Human Genetics Tuebingen Variant Classification Criteria Version 2. Collection method: clinical testing. Allele origin: germline. Affected: yes. Observed: 1 variant allele.
Comment: PXDNL: PM2, BP4